The following is an entry in ClinVar:

NM_000834.5(GRIN2B):c.2471T>A (p.Met824Lys)

Gene: GRIN2B (glutamate ionotropic receptor NMDA type subunit 2B; minus strand). Cytogenetic location: 12p13.1.
Variant type: single nucleotide variant.
Coding change: c.2471T>A on transcript NM_000834.5 (MANE Select); coding-DNA position 2471, T replaced by A.
Protein change: p.Met824Lys; replaces methionine 824 with lysine.
Molecular consequence: missense variant.
Genome position (GRCh38, 1-based): chr12:13,567,152, A>T on the plus strand (T>A on the coding strand, the complement: GRIN2B is on the minus strand). VCF-style: chr12-13567152-A-T. GRCh37 (hg19) VCF-style: chr12-13720086-A-T.
Other names: c.2471T>A, p.Met824Lys (NM_001413992.1); short protein forms M824K.
Identifiers: ClinVar variation 3381223 (VCV003381223.2).
Genomic context (GRCh38, chr12:13,567,152, plus strand): 5'-CAATAGAAAAGGTGTTCGCAGATGAAGGTGATGAGGCTGAGAGCCATGGCCGCCCCCAAC[A>T]TGTAGAAGACCCCTGCCATGTTGTCAATGTCCAGCTGGCTGCTCATGACCTCATTCTTCT-3'
Protein context (NP_000825.2, residues 814-834): DIDNMAGVFY[Met824Lys]LGAAMALSLI

ClinVar aggregate classification (germline): Likely pathogenic (1 of 4 stars; one submission).

Conditions:
Intellectual developmental disorder, autosomal dominant 6, with or without seizures. Also called: Intellectual disability, autosomal dominant 6; GRIN2B-related developmental delay, intellectual disability and autism spectrum disorder. Identifiers: Orphanet 589547, MedGen C3151411, MONDO:0013509, OMIM 613970.

Submission:

Servicio de Genética Del Instituto Nacional de Salud Del Niño, Ministerio de Salud
Classification: Likely pathogenic for Intellectual developmental disorder, autosomal dominant 6, with or without seizures. Last evaluated: 2024-11-18. Review status: criteria provided, single submitter. Criteria: ACMG Guidelines, 2015. Collection method: clinical testing. Allele origin: germline. Inheritance: Autosomal dominant inheritance. Affected: yes.
Comment: The variant NM_000834.5:c.2471T>A (p.Met824Lys) results in a methionine-to-lysine substitution at codon 824. According to ACMG/AMP guidelines, this variant meets the criteria for PM1, PP2, PM2, PM5, and PP3, supporting its classification as likely pathogenic. These criteria are based on the impact of the variant on protein function, the presence of similar pathogenic variants, and computational predictions suggesting a damaging effect on the protein